The following is an entry in ClinVar:

NM_000257.4(MYH7):c.297C>T (p.Pro99=)

Gene: MYH7 (myosin heavy chain 7; minus strand). Cytogenetic location: 14q11.2.
Variant type: single nucleotide variant.
Coding change: c.297C>T on transcript NM_000257.4 (MANE Select); coding-DNA position 297, C replaced by T.
Protein change: p.Pro99=; no amino-acid change (proline 99 retained).
Molecular consequence: synonymous variant.
Genome position (GRCh38, 1-based): chr14:23,433,132, G>A on the plus strand (C>T on the coding strand, the complement: MYH7 is on the minus strand). VCF-style: chr14-23433132-G-A. GRCh37 (hg19) VCF-style: chr14-23902341-G-A.
Other names: p.P99P:CCC>CCT; NM_000257.3(MYH7):c.297C>T.
Identifiers: ClinVar variation 42944 (VCV000042944.56), dbSNP rs140245862, ClinGen allele CA013276.

ClinVar aggregate classification (germline): Benign. Review status: reviewed by expert panel (3 of 4 stars). 22 submissions from 20 submitters: Benign (1). 21 of the submissions do not count toward it. Last evaluated 2025-11-11.

Conditions:
MYH7-related disorder. Also called: MYH7-related condition; MYH7-related disease; MYH7-related disorders.
Myosin storage myopathy (CMYO7A). Also called: MYOPATHY WITH LYSIS OF TYPE I MYOFIBRILS; MYOPATHY, HYALINE BODY, AUTOSOMAL DOMINANT; SCAPULOPERONEAL MUSCULAR DYSTROPHY; SCAPULOPERONEAL SYNDROME, MYOPATHIC TYPE; MYH7-related late-onset scapuloperoneal muscular dystrophy; Congenital myopathy 7A, myosin storage, autosomal dominant. Identifiers: Orphanet 437572, Orphanet 636965, MedGen C1842160, MONDO:0008409, OMIM 608358.
Hypertrophic cardiomyopathy 1 (CMH1). Also called: Familial hypertrophic cardiomyopathy 1; MYH7-Related Familial Hypertrophic Cardiomyopathy. Identifiers: MedGen C3495498, MONDO:0008647, OMIM 192600.
Myopathy, myosin storage, autosomal recessive (CMYO7B). Also called: CONGENITAL MYOPATHY 7B, MYOSIN STORAGE, AUTOSOMAL RECESSIVE. Identifiers: Orphanet 636970, MedGen C1850709, MONDO:0009708, OMIM 255160.
Dilated cardiomyopathy 1S (CMD1S). Identifiers: Orphanet 154, Orphanet 54260, MedGen C1834481, MONDO:0013262, OMIM 613426.
MYH7-related skeletal myopathy. Also called: Myopathy, distal, 1; Laing distal myopathy; MYOPATHY, DISTAL, EARLY-ONSET, AUTOSOMAL DOMINANT; MYOPATHY, LATE DISTAL HEREDITARY; Laing early-onset distal myopathy. Identifiers: Orphanet 59135, MedGen C4552004, MONDO:0008050, OMIM 160500.
Congenital myopathy with fiber type disproportion. Also called: Congenital fiber-type disproportion myopathy; Congenital fiber-type disproportion. Identifiers: Orphanet 2020, MedGen C0546264, MONDO:0009711. Inheritance: all.
Cardiomyopathy (CMYO). Also called: Cardiomyopathies. Identifiers: Orphanet 167848, MedGen C0878544, MONDO:0004994, HP:0001638. Inheritance: Various modes of inheritance.
Hypertrophic cardiomyopathy. Also called: HYPERTROPHIC MYOCARDIOPATHY. Identifiers: Orphanet 217569, MedGen C0007194, MeSH D002312, MONDO:0005045, HP:0001639.

Allele frequency attached by ClinVar (database versions not stated): gnomAD exomes 0.00021 and 0.00059; ExAC 0.00061; 1000 Genomes Project 0.00180; gnomAD 0.00209 and 0.00220; 1000 Genomes Project 30x 0.00219; TOPMed 0.00232; ESP Exome Variant Server 0.00269.

Submissions (22):

ClinGen Cardiomyopathy Variant Curation Expert Panel
Classification: Benign for Hypertrophic cardiomyopathy. Last evaluated: 2025-11-11. Review status: reviewed by expert panel. Criteria: ClinGen CMP ACMG Specifications v1. Collection method: curation. Allele origin: germline. Inheritance: Autosomal dominant inheritance.
Comment: The filtering allele frequency of the c.297C>T (p.Pro99=) variant in the MYH7 gene is 0.54% (69/10406) of African chromosomes by the Exome Aggregation Consortium, which is a high enough frequency to be classified as benign based on thresholds defined by the ClinGen Inherited Cardiomyopathy Expert Panel (BA1; PMID:29300372).

CeGaT Center for Human Genetics Tuebingen
Classification: Likely benign. Last evaluated: 2026-04-01. Review status: criteria provided, single submitter. Criteria: CeGaT Center For Human Genetics Tuebingen Variant Classification Criteria Version 2. Collection method: clinical testing. Allele origin: germline. Affected: yes. Observed: 4 variant alleles. Not counted in ClinVar's aggregate classification.
Comment: MYH7: BP4, BP7

Labcorp Genetics (formerly Invitae), Labcorp
Classification: Benign for Hypertrophic cardiomyopathy. Last evaluated: 2026-02-03. Review status: criteria provided, single submitter. Criteria: Invitae Variant Classification Sherloc (09022015). Collection method: clinical testing. Allele origin: germline. Not counted in ClinVar's aggregate classification.

Athena Diagnostics
Classification: Benign. Last evaluated: 2024-10-17. Review status: criteria provided, single submitter. Criteria: Athena Diagnostics Criteria. Collection method: clinical testing. Allele origin: unknown. Not counted in ClinVar's aggregate classification.

Blueprint Genetics
Classification: Likely benign. Last evaluated: 2024-06-27. Review status: criteria provided, single submitter. Criteria: ACMG Guidelines, 2015. Collection method: clinical testing. Allele origin: germline. Not counted in ClinVar's aggregate classification.

All of Us Research Program, National Institutes of Health
Classification: Benign for Cardiomyopathy. Last evaluated: 2024-02-05. Review status: criteria provided, single submitter. Criteria: ACMG Guidelines, 2015. Collection method: clinical testing. Allele origin: germline. Inheritance: Autosomal dominant inheritance. Observed: 110 variant alleles, 110 heterozygotes. Not counted in ClinVar's aggregate classification.
Comment: This study involves interpretation of variants in research participants for the purpose of population health screening. Participant phenotype was not available at the time of variant classification. Additional details can be found in publication PMID: 35346344, PMCID: PMC8962531

ARUP Laboratories, Molecular Genetics and Genomics, ARUP Laboratories
Classification: Benign. Last evaluated: 2023-08-16. Review status: criteria provided, single submitter. Criteria: ARUP Molecular Germline Variant Investigation Process 2024. Collection method: clinical testing. Allele origin: germline. Not counted in ClinVar's aggregate classification.

Fulgent Genetics
Classification: Likely benign for MYH7-related skeletal myopathy; Myosin storage myopathy; Hypertrophic cardiomyopathy 1; Myopathy, myosin storage, autosomal recessive; Congenital myopathy 4A, autosomal dominant; Dilated cardiomyopathy 1S. Last evaluated: 2021-09-15. Review status: criteria provided, single submitter. Criteria: ACMG Guidelines, 2015. Collection method: clinical testing. Allele origin: unknown. Not counted in ClinVar's aggregate classification.

Women's Health and Genetics/Laboratory Corporation of America, LabCorp
Classification: Likely benign. Last evaluated: 2020-08-16. Review status: criteria provided, single submitter. Criteria: LabCorp Variant Classification Summary - May 2015. Collection method: clinical testing. Allele origin: germline. Not counted in ClinVar's aggregate classification.

Molecular Diagnostic Laboratory for Inherited Cardiovascular Disease, Montreal Heart Institute
Classification: Benign. Last evaluated: 2020-05-28. Review status: criteria provided, single submitter. Criteria: ACMG Guidelines, 2015. Collection method: clinical testing. Allele origin: germline. Affected: yes. Not counted in ClinVar's aggregate classification.

Color Diagnostics, LLC DBA Color Health
Classification: Benign for Cardiomyopathy. Last evaluated: 2018-10-16. Review status: criteria provided, single submitter. Criteria: ACMG Guidelines, 2015. Collection method: clinical testing. Allele origin: germline. Not counted in ClinVar's aggregate classification.

Illumina Laboratory Services, Illumina
Classification: Likely benign for Hypertrophic cardiomyopathy 1. Last evaluated: 2018-01-13. Review status: criteria provided, single submitter. Criteria: ICSL Variant Classification Criteria 13 December 2019. Collection method: clinical testing. Allele origin: germline. Not counted in ClinVar's aggregate classification.
Comment: This variant was observed in the ICSL laboratory as part of a predisposition screen in an ostensibly healthy population. It had not been previously curated by ICSL or reported in the Human Gene Mutation Database (HGMD: prior to June 1st, 2018), and was therefore a candidate for classification through an automated scoring system. Utilizing variant allele frequency, disease prevalence and penetrance estimates, and inheritance mode, an automated score was calculated to assess if this variant is too frequent to cause the disease. Based on the score and internal cut-off values, a variant classified as likely benign is not then subjected to further curation. The score for this variant resulted in a classification of likely benign for this disease.

Illumina Laboratory Services, Illumina
Classification: Likely benign for Myosin storage myopathy. Last evaluated: 2018-01-13. Review status: criteria provided, single submitter. Criteria: ICSL Variant Classification Criteria 13 December 2019. Collection method: clinical testing. Allele origin: germline. Not counted in ClinVar's aggregate classification.
Comment: the same text as in the submission from Illumina Laboratory Services, Illumina above.

Illumina Laboratory Services, Illumina
Classification: Benign for MYH7-related skeletal myopathy. Last evaluated: 2018-01-13. Review status: criteria provided, single submitter. Criteria: ICSL Variant Classification Criteria 13 December 2019. Collection method: clinical testing. Allele origin: germline. Not counted in ClinVar's aggregate classification.
Comment: This variant was observed in the ICSL laboratory as part of a predisposition screen in an ostensibly healthy population. It had not been previously curated by ICSL or reported in the Human Gene Mutation Database (HGMD: prior to June 1st, 2018), and was therefore a candidate for classification through an automated scoring system. Utilizing variant allele frequency, disease prevalence and penetrance estimates, and inheritance mode, an automated score was calculated to assess if this variant is too frequent to cause the disease. Based on the score and internal cut-off values, a variant classified as benign is not then subjected to further curation. The score for this variant resulted in a classification of benign for this disease.

Mayo Clinic Laboratories, Mayo Clinic
Classification: Benign. Last evaluated: 2017-07-31. Review status: criteria provided, single submitter. Criteria: ACMG Guidelines, 2015. Collection method: clinical testing. Allele origin: germline. Observed: 4 variant alleles. Not counted in ClinVar's aggregate classification.

Laboratory for Molecular Medicine, Mass General Brigham Personalized Medicine
Classification: Benign. Last evaluated: 2016-04-20. Review status: criteria provided, single submitter. Criteria: LMM Criteria. Collection method: clinical testing. Allele origin: germline. Observed: 5 variant alleles. Not counted in ClinVar's aggregate classification.
Comment: proposed classification - variant undergoing re-assessment, contact laboratory

Eurofins Ntd Llc (ga)
Classification: Likely benign. Last evaluated: 2016-03-01. Review status: criteria provided, single submitter. Criteria: EGL Classification Definitions 2015. Collection method: clinical testing. Allele origin: germline. Observed: 1 variant allele, 1 heterozygote. Not counted in ClinVar's aggregate classification.

GeneDx
Classification: Benign. Last evaluated: 2015-04-10. Review status: criteria provided, single submitter. Criteria: GeneDx Variant Classification (06012015). Collection method: clinical testing. Allele origin: germline. Affected: yes. Not counted in ClinVar's aggregate classification.
Comment: This variant is considered likely benign or benign based on one or more of the following criteria: it is a conservative change, it occurs at a poorly conserved position in the protein, it is predicted to be benign by multiple in silico algorithms, and/or has population frequency not consistent with disease.

PreventionGenetics, part of Exact Sciences
Classification: Benign for MYH7-related condition. Last evaluated: 2020-01-02. Review status: no assertion criteria provided. Collection method: clinical testing. Allele origin: germline. Not counted in ClinVar's aggregate classification.
Comment: This variant is classified as benign based on ACMG/AMP sequence variant interpretation guidelines (Richards et al. 2015 PMID: 25741868, with internal and published modifications).

Clinical Genetics, Academic Medical Center
Classification: Benign. Review status: no assertion criteria provided. Collection method: clinical testing. Allele origin: germline. Affected: yes. Study: VKGL Data-share Consensus. Not counted in ClinVar's aggregate classification.

Genome Diagnostics Laboratory, University Medical Center Utrecht
Classification: Likely benign. Review status: no assertion criteria provided. Collection method: clinical testing. Allele origin: germline. Affected: yes. Study: VKGL Data-share Consensus. Not counted in ClinVar's aggregate classification.

Joint Genome Diagnostic Labs from Nijmegen and Maastricht, Radboudumc and MUMC+
Classification: Likely benign. Review status: no assertion criteria provided. Collection method: clinical testing. Allele origin: germline. Affected: yes. Study: VKGL Data-share Consensus. Not counted in ClinVar's aggregate classification.

Literature cited by the submitters: PubMed 29300372 (cited by ClinGen Cardiomyopathy Variant Curation Expert Panel and Athena Diagnostics); PubMed 15358028 (cited by 3 submitters).